The following is an entry in ClinVar:

ClinVar aggregate classification (germline): Uncertain significance (1 of 4 stars; one submission).

Conditions:
Fanconi anemia (FA). Also called: Fanconi's anemia. Identifiers: Orphanet 84, MedGen C0015625, MeSH D005199, MONDO:0019391.

Submission:

Labcorp Genetics (formerly Invitae), Labcorp
Classification: Uncertain significance for Fanconi anemia. Last evaluated: 2019-10-23. Review status: criteria provided, single submitter. Criteria: Invitae Variant Classification Sherloc (09022015). Collection method: clinical testing. Allele origin: germline.
Comment: In summary, the available evidence is currently insufficient to determine the role of this variant in disease. Therefore, it has been classified as a Variant of Uncertain Significance. Algorithms developed to predict the effect of missense changes on protein structure and function are either unavailable or do not agree on the potential impact of this missense change (SIFT: "Tolerated"; PolyPhen-2: "Possibly Damaging"; Align-GVGD: "Class C0"). This variant has not been reported in the literature in individuals with FANCB-related conditions. This variant is not present in population databases (ExAC no frequency). This sequence change replaces histidine with proline at codon 44 of the FANCB protein (p.His44Pro). The histidine residue is weakly conserved and there is a moderate physicochemical difference between histidine and proline.

NM_001018113.3(FANCB):c.131A>C (p.His44Pro)

Gene: FANCB (FA complementation group B; minus strand). Cytogenetic location: Xp22.2.
Variant type: single nucleotide variant.
Coding change: c.131A>C on transcript NM_001018113.3 (MANE Select); coding-DNA position 131, A replaced by C.
Protein change: p.His44Pro; replaces histidine 44 with proline.
Molecular consequence: missense variant. On other transcripts: non-coding transcript variant (1).
Genome position (GRCh38, 1-based): chrX:14,865,380, T>G on the plus strand (A>C on the coding strand, the complement: FANCB is on the minus strand). VCF-style: chrX-14865380-T-G. GRCh37 (hg19) VCF-style: chrX-14883502-T-G.
Other names: c.131A>C, p.His44Pro (NM_001324162.2, NM_152633.4); short protein forms H44P.
Identifiers: ClinVar variation 964941 (VCV000964941.9), dbSNP rs2092464968, ClinGen allele CA412445217.